The following is an entry in ClinVar:

NM_000493.4(COL10A1):c.575G>A (p.Gly192Glu)

Genes: COL10A1 (collagen type X alpha 1 chain; minus strand), NT5DC1 (5'-nucleotidase domain containing 1; plus strand). Cytogenetic location: 6q22.1.
Variant type: single nucleotide variant.
Coding change: c.575G>A on transcript NM_000493.4 (MANE Select); coding-DNA position 575, G replaced by A.
Protein change: p.Gly192Glu; replaces glycine 192 with glutamic acid.
Molecular consequence: missense variant. On other transcripts: intron variant (1).
Genome position (GRCh38, 1-based): chr6:116,121,541, C>T on the plus strand (G>A on the coding strand, the complement: COL10A1 is on the minus strand). VCF-style: chr6-116121541-C-T. GRCh37 (hg19) VCF-style: chr6-116442704-C-T.
Other names: c.575G>A, p.Gly192Glu (NM_001424106.1, NM_001424107.1); c.529+3596C>T (NM_152729.3); short protein forms G192E.
Identifiers: ClinVar variation 2088523 (VCV002088523.4), dbSNP rs560652096, ClinGen allele CA3968372.
Genomic context (GRCh38, chr6:116,121,541, plus strand): 5'-CCTGTGGGACCCTGAGGGCCTGGAAGACCCCTCTCACCTGGACGACCAGGAGCACCATAT[C>T]CCATTTCCCCTTTCTGTCCATTCATACCAGGGACTCCTGGTGCACCCTTTTCTCCAGGAA-3'
Protein context (NP_000484.2, residues 182-202): PGMNGQKGEM[Gly192Glu]YGAPGRPGER

ClinVar aggregate classification (germline): Uncertain significance (1 of 4 stars; one submission).

Allele frequency attached by ClinVar (database versions not stated): gnomAD exomes below 0.00001; TOPMed 0.00001; ExAC 0.00002; gnomAD 0.00002; 1000 Genomes Project 30x 0.00016; 1000 Genomes Project 0.00020.
gnomAD v4.1: 7 of 1,614,118 alleles (0.00043%); highest among the groups gnomAD compares: African/African-American, 0.0093%; no homozygotes.

Submission:

Labcorp Genetics (formerly Invitae), Labcorp
Classification: Uncertain significance. Last evaluated: 2022-02-17. Review status: criteria provided, single submitter. Criteria: Invitae Variant Classification Sherloc (09022015). Collection method: clinical testing. Allele origin: germline.
Comment: This sequence change replaces glycine, which is neutral and non-polar, with glutamic acid, which is acidic and polar, at codon 192 of the COL10A1 protein (p.Gly192Glu). This variant is present in population databases (rs560652096, gnomAD 0.007%). This variant has not been reported in the literature in individuals affected with COL10A1-related conditions. Algorithms developed to predict the effect of missense changes on protein structure and function are either unavailable or do not agree on the potential impact of this missense change (SIFT: "Deleterious"; PolyPhen-2: "Not Available"; Align-GVGD: "Class C0"). In summary, the available evidence is currently insufficient to determine the role of this variant in disease. Therefore, it has been classified as a Variant of Uncertain Significance.